The following is an entry in ClinVar:

NM_004086.3(COCH):c.340C>T (p.Leu114Phe)

Genes: COCH (cochlin; plus strand), COCH-AS1 (COCH antisense RNA 1; minus strand). Cytogenetic location: 14q12.
Variant type: single nucleotide variant.
Coding change: c.340C>T on transcript NM_004086.3 (MANE Select); coding-DNA position 340, C replaced by T.
Protein change: p.Leu114Phe; replaces leucine 114 with phenylalanine.
Molecular consequence: missense variant.
Genome position (GRCh38, 1-based): chr14:30,878,911, C>T. VCF-style: chr14-30878911-C-T. GRCh37 (hg19) VCF-style: chr14-31348117-C-T.
Other names: c.340C>T, p.Leu114Phe (NM_001135058.2); c.535C>T, p.Leu179Phe (NM_001347720.2); short protein forms L179F, L114F.
Identifiers: ClinVar variation 1483684 (VCV001483684.11), dbSNP rs924049830, ClinGen allele CA258536635.

ClinVar aggregate classification (germline): Uncertain significance. Review status: criteria provided, multiple submitters, no conflicts (2 of 4 stars). 3 submissions from 3 submitters: Uncertain significance (3). Last evaluated 2024-04-29.

Allele frequency attached by ClinVar (database versions not stated): gnomAD exomes below 0.00001; gnomAD 0.00001; TOPMed 0.00001.

Submissions (3):

GeneDx
Classification: Uncertain significance. Last evaluated: 2024-04-29. Review status: criteria provided, single submitter. Criteria: GeneDx Variant Classification Process June 2021. Collection method: clinical testing. Allele origin: germline.
Comment: Not observed at significant frequency in large population cohorts (gnomAD); In silico analysis supports that this missense variant does not alter protein structure/function; Has not been previously published as pathogenic or benign to our knowledge

Blueprint Genetics
Classification: Uncertain significance. Last evaluated: 2023-07-06. Review status: criteria provided, single submitter. Criteria: ACMG Guidelines, 2015. Collection method: clinical testing. Allele origin: germline.

Labcorp Genetics (formerly Invitae), Labcorp
Classification: Uncertain significance. Last evaluated: 2021-04-02. Review status: criteria provided, single submitter. Criteria: Invitae Variant Classification Sherloc (09022015). Collection method: clinical testing. Allele origin: germline.
Comment: This variant has not been reported in the literature in individuals with COCH-related conditions. Algorithms developed to predict the effect of missense changes on protein structure and function are either unavailable or do not agree on the potential impact of this missense change (SIFT: "Deleterious"; PolyPhen-2: "Probably Damaging"; Align-GVGD: "Class C15"). In summary, the available evidence is currently insufficient to determine the role of this variant in disease. Therefore, it has been classified as a Variant of Uncertain Significance. This variant is not present in population databases (ExAC no frequency). This sequence change replaces leucine with phenylalanine at codon 114 of the COCH protein (p.Leu114Phe). The leucine residue is highly conserved and there is a small physicochemical difference between leucine and phenylalanine.